The following is an entry in ClinVar:

NM_002439.5(MSH3):c.1762A>G (p.Arg588Gly)

Gene: MSH3 (mutS homolog 3; plus strand). Cytogenetic location: 5q14.1.
Variant type: single nucleotide variant.
Coding change: c.1762A>G on transcript NM_002439.5 (MANE Select); coding-DNA position 1762, A replaced by G.
Protein change: p.Arg588Gly; replaces arginine 588 with glycine.
Molecular consequence: missense variant.
Genome position (GRCh38, 1-based): chr5:80,744,614, A>G. VCF-style: chr5-80744614-A-G. GRCh37 (hg19) VCF-style: chr5-80040433-A-G.
Other names: short protein forms R588G.
Identifiers: ClinVar variation 1056632 (VCV001056632.10), dbSNP rs766030476, ClinGen allele CA360274851.

ClinVar aggregate classification (germline): Uncertain significance (1 of 4 stars; one submission).

Submission:

Labcorp Genetics (formerly Invitae), Labcorp
Classification: Uncertain significance. Last evaluated: 2022-08-16. Review status: criteria provided, single submitter. Criteria: Invitae Variant Classification Sherloc (09022015). Collection method: clinical testing. Allele origin: germline.
Comment: This variant is not present in population databases (gnomAD no frequency). In summary, the available evidence is currently insufficient to determine the role of this variant in disease. Therefore, it has been classified as a Variant of Uncertain Significance. Algorithms developed to predict the effect of sequence changes on RNA splicing suggest that this variant may disrupt the consensus splice site. Algorithms developed to predict the effect of missense changes on protein structure and function are either unavailable or do not agree on the potential impact of this missense change (SIFT: "Deleterious"; PolyPhen-2: "Benign"; Align-GVGD: "Class C0"). ClinVar contains an entry for this variant (Variation ID: 1056632). This variant has not been reported in the literature in individuals affected with MSH3-related conditions. This sequence change replaces arginine, which is basic and polar, with glycine, which is neutral and non-polar, at codon 588 of the MSH3 protein (p.Arg588Gly).